The following is an entry in ClinVar:

NM_001142800.2(EYS):c.7392T>A (p.Phe2464Leu)

Gene: EYS (EGF-like photoreceptor maintenance factor; minus strand). Cytogenetic location: 6q12.
Variant type: single nucleotide variant.
Coding change: c.7392T>A on transcript NM_001142800.2 (MANE Select); coding-DNA position 7392, T replaced by A.
Protein change: p.Phe2464Leu; replaces phenylalanine 2464 with leucine.
Molecular consequence: missense variant.
Genome position (GRCh38, 1-based): chr6:63,806,209, A>T on the plus strand (T>A on the coding strand, the complement: EYS is on the minus strand). VCF-style: chr6-63806209-A-T. GRCh37 (hg19) VCF-style: chr6-64516102-A-T.
Other names: c.7392T>A, p.Phe2464Leu (NM_001292009.2); short protein forms F2464L.
Identifiers: ClinVar variation 1414926 (VCV001414926.8), dbSNP rs754984757, ClinGen allele CA364387396.

ClinVar aggregate classification (germline): Uncertain significance (1 of 4 stars; one submission).

Submission:

Labcorp Genetics (formerly Invitae), Labcorp
Classification: Uncertain significance. Last evaluated: 2022-06-20. Review status: criteria provided, single submitter. Criteria: Invitae Variant Classification Sherloc (09022015). Collection method: clinical testing. Allele origin: germline.
Comment: In summary, the available evidence is currently insufficient to determine the role of this variant in disease. Therefore, it has been classified as a Variant of Uncertain Significance. Algorithms developed to predict the effect of missense changes on protein structure and function are either unavailable or do not agree on the potential impact of this missense change (SIFT: "Deleterious"; PolyPhen-2: "Benign"; Align-GVGD: "Class C15"). This variant has not been reported in the literature in individuals affected with EYS-related conditions. This variant is not present in population databases (gnomAD no frequency). This sequence change replaces phenylalanine, which is neutral and non-polar, with leucine, which is neutral and non-polar, at codon 2464 of the EYS protein (p.Phe2464Leu).